The following is an entry in ClinVar:

NM_001017420.3(ESCO2):c.1269G>A (p.Trp423Ter)

Gene: ESCO2 (establishment of sister chromatid cohesion N-acetyltransferase 2; plus strand). Cytogenetic location: 8p21.1.
Variant type: single nucleotide variant.
Coding change: c.1269G>A on transcript NM_001017420.3 (MANE Select); coding-DNA position 1269, G replaced by A.
Protein change: p.Trp423Ter; replaces tryptophan 423 with a stop codon.
Molecular consequence: nonsense.
Genome position (GRCh38, 1-based): chr8:27,791,968, G>A. VCF-style: chr8-27791968-G-A. GRCh37 (hg19) VCF-style: chr8-27649485-G-A.
Other names: short protein forms W423*.
Identifiers: ClinVar variation 1739 (VCV000001739.11), dbSNP rs80359864, ClinGen allele CA339908.
Genomic context (GRCh38, chr8:27,791,968, plus strand): 5'-GGTTTTTTTTCCTCTTCACAAATTAAACTGTGACCCTTTTGTTTTCCTTTGGCAGGGTTG[G>A]AAGAAAGAACGTGTAGTAGCAGAGTTTTGGGATGGGAAAATCGTGTTGGTTCTGCCACAT-3'

ClinVar aggregate classification (germline): Pathogenic/Likely pathogenic. Review status: criteria provided, multiple submitters, no conflicts (2 of 4 stars). 4 submissions from 4 submitters: Pathogenic (1); Likely pathogenic (1). 2 of the submissions do not count toward it. Last evaluated 2024-05-18.

Conditions:
Roberts-SC phocomelia syndrome (RBS). Also called: Hypomelia hypotrichosis facial hemangioma syndrome; LONG BONE DEFICIENCIES ASSOCIATED WITH CLEFT LIP-PALATE; Pseudothalidomide syndrome; Appelt-Gerken-Lenz syndrome; ESCO2 Spectrum Disorder. Identifiers: Orphanet 3103, MedGen C0392475, MONDO:0100253, OMIM 268300.

Allele frequency attached by ClinVar (database versions not stated): gnomAD exomes below 0.00001; TOPMed 0.00001.
gnomAD v4.1: 2 of 1,613,988 alleles (0.00012%); highest among the groups gnomAD compares: Non-Finnish European, 0.000085%; no homozygotes.

Submissions (4):

Natera, Inc.
Classification: Likely pathogenic for Roberts syndrome. Last evaluated: 2024-05-18. Review status: criteria provided, single submitter. Criteria: Natera Variant Classification Schema (03/2026). Collection method: clinical testing. Allele origin: germline.
Comment: The c.1269G>A variant in ESCO2 is a nonsense variant predicted to introduce a stop codon at amino acid 423. This variant is expected to result in nonsense mediated decay, truncation, or a dysfunctional protein product. This variant is rare in the general population with a frequency below the threshold expected for the associated phenotype(s). Given the available evidence, this variant is classified as Likely Pathogenic.

Labcorp Genetics (formerly Invitae), Labcorp
Classification: Pathogenic. Last evaluated: 2023-10-08. Review status: criteria provided, single submitter. Criteria: Invitae Variant Classification Sherloc (09022015). Collection method: clinical testing. Allele origin: germline.
Comment: This sequence change creates a premature translational stop signal (p.Trp423*) in the ESCO2 gene. It is expected to result in an absent or disrupted protein product. Loss-of-function variants in ESCO2 are known to be pathogenic (PMID: 15821733, 16380922). This variant is not present in population databases (gnomAD no frequency). This premature translational stop signal has been observed in individual(s) with Roberts syndrome (PMID: 16380922). ClinVar contains an entry for this variant (Variation ID: 1739). For these reasons, this variant has been classified as Pathogenic.

OMIM
Classification: Pathogenic for ROBERTS-SC PHOCOMELIA SYNDROME. Last evaluated: 2005-12-01. Review status: no assertion criteria provided. Collection method: literature only. Allele origin: germline. Not counted in ClinVar's aggregate classification.

GeneReviews
No classification provided. Condition: Roberts-SC phocomelia syndrome. Review status: no classification provided. Collection method: literature only. Allele origin: unknown. Not counted in ClinVar's aggregate classification.

Literature cited by the submitters: PubMed 15821733 (cited by Labcorp Genetics (formerly Invitae), Labcorp); PubMed 16380922 (cited by 3 submitters); PubMed 20301332 (cited by GeneReviews); NCBI Bookshelf NBK1153 (cited by GeneReviews).